The following is an entry in ClinVar:

NM_004655.4(AXIN2):c.1200+3A>G

Gene: AXIN2 (axin 2; minus strand). Cytogenetic location: 17q24.1.
Variant type: single nucleotide variant.
Coding change: c.1200+3A>G on transcript NM_004655.4 (MANE Select); 3 bases into the intron after coding-DNA position 1200, A replaced by G.
Molecular consequence: intron variant.
Genome position (GRCh38, 1-based): chr17:65,538,200, T>C on the plus strand (A>G on the coding strand, the complement: AXIN2 is on the minus strand). VCF-style: chr17-65538200-T-C. GRCh37 (hg19) VCF-style: chr17-63534318-T-C.
Other names: c.1200+3A>G (NM_001363813.1).
Identifiers: ClinVar variation 834370 (VCV000834370.14), dbSNP rs1248714399, ClinGen allele CA627152236.

ClinVar aggregate classification (germline): Conflicting classifications of pathogenicity. Review status: criteria provided, conflicting classifications (1 of 4 stars). 3 submissions from 3 submitters: Uncertain significance (2); Likely benign (1). Last evaluated 2026-08-03.

Conditions:
Oligodontia-cancer predisposition syndrome. Also called: TOOTH AGENESIS-COLORECTAL CANCER SYNDROME. Identifiers: Orphanet 300576, MedGen C1837750, MONDO:0012075, OMIM 608615. Disease mechanism: loss of function.
Colorectal cancer. Also called: Colorectal cancer, somatic; Malignant Colorectal Neoplasm. Identifiers: MedGen C0346629, MONDO:0005575, OMIM 114500.
Hereditary cancer-predisposing syndrome. Also called: Tumor predisposition; Hereditary neoplastic syndrome; Neoplastic Syndromes, Hereditary; Hereditary Cancer Syndrome. Identifiers: Orphanet 140162, MedGen C0027672, MeSH D009386, MONDO:0015356.

Allele frequency attached by ClinVar (database versions not stated): gnomAD exomes below 0.00001.
gnomAD v4.1: 2 of 1,614,174 alleles (0.00012%); highest among the groups gnomAD compares: South Asian, 0.0022%; no homozygotes.

Submissions (3):

Ambry Genetics
Classification: Uncertain significance for Hereditary cancer-predisposing syndrome. Last evaluated: 2026-08-03. Review status: criteria provided, single submitter. Criteria: Ambry Variant Classification Scheme 2023. Collection method: clinical testing. Allele origin: germline.
Comment: The c.1200+3A>G intronic variant results from an A to G substitution 3 nucleotides after coding exon 4 in the AXIN2 gene. This nucleotide position is well conserved in available vertebrate species. In silico splice site analysis predicts that this alteration will result in the creation or strengthening of a novel splice donor site; however, direct evidence is insufficient at this time (Ambry internal data). Based on the available evidence, the clinical significance of this variant remains unclear.

Labcorp Genetics (formerly Invitae), Labcorp
Classification: Likely benign for Oligodontia-cancer predisposition syndrome. Last evaluated: 2025-08-07. Review status: criteria provided, single submitter. Criteria: Invitae Variant Classification Sherloc (09022015). Collection method: clinical testing. Allele origin: germline.

Baylor Genetics
Classification: Uncertain significance for Colorectal cancer. Last evaluated: 2023-07-29. Review status: criteria provided, single submitter. Criteria: ACMG Guidelines, 2015. Collection method: clinical testing. Allele origin: unknown.